The following is an entry in ClinVar:

NM_152564.5(VPS13B):c.10282C>T (p.Gln3428Ter)

Gene: VPS13B (vacuolar protein sorting 13 homolog B; plus strand). Cytogenetic location: 8q22.2.
Variant type: single nucleotide variant.
Coding change: c.10282C>T on transcript NM_152564.5 (MANE Select); coding-DNA position 10282, C replaced by T.
Protein change: p.Gln3428Ter; replaces glutamine 3428 with a stop codon.
Molecular consequence: nonsense.
Genome position (GRCh38, 1-based): chr8:99,853,671, C>T. VCF-style: chr8-99853671-C-T. GRCh37 (hg19) VCF-style: chr8-100865899-C-T.
Other names: c.10357C>T, p.Gln3453Ter (NM_017890.5); short protein forms Q3428*, Q3453*.
Identifiers: ClinVar variation 1724950 (VCV001724950.2), dbSNP rs2492237556, ClinGen allele CA371781307.
Genomic context (GRCh38, chr8:99,853,671, plus strand): 5'-GAAGAGCCTGTGGCTGCGTTGTTTGAACTTTACTGTGTGGAGATCTGCTGTGGGGACCTG[C>T]AGCTAGACAACCAGCTTTATAACAAGTCCAATTTCCACTTTGCTGTCTTAGTCTGCCAGG-3'

ClinVar aggregate classification (germline): Likely pathogenic (1 of 4 stars; one submission).

Conditions:
Cohen syndrome (COH1). Also called: PEPPER SYNDROME; Cutis verticis gyrata, retinitis pigmentosa, and sensorineural deafness. Identifiers: Orphanet 193, MedGen C0265223, MONDO:0008999, OMIM 216550.

Submission:

Myriad Genetics, Inc.
Classification: Likely pathogenic for Cohen syndrome. Last evaluated: 2022-03-03. Review status: criteria provided, single submitter. Criteria: Myriad Women's Health Autosomal Recessive and X-Linked Classification Criteria (2021). Collection method: clinical testing. Allele origin: unknown.
Comment: NM_017890.4(VPS13B):c.10357C>T(Q3453*) is expected to be pathogenic in the context of Cohen syndrome. This variant is predicted to lead to an abnormal or absent protein product due to the creation of a premature termination codon in VPS13B, a gene where loss-of-function variants are known to be pathogenic. Please note: this variant was assessed in the context of healthy population screening.